The following is an entry in ClinVar:

ClinVar aggregate classification (germline): Uncertain significance (1 of 4 stars; one submission).

Conditions:
Episodic ataxia type 2 (EA2). Also called: ACETAZOLAMIDE-RESPONSIVE HEREDITARY PAROXYSMAL CEREBELLAR ATAXIA; ATAXIA, EPISODIC, WITH NYSTAGMUS; ATAXIA, FAMILIAL PAROXYSMAL; CEREBELLAR ATAXIA, PAROXYSMAL, ACETAZOLAMIDE-RESPONSIVE; CEREBELLOPATHY, HEREDITARY PAROXYSMAL; EPISODIC ATAXIA, NYSTAGMUS-ASSOCIATED. Identifiers: Orphanet 97, MedGen C1720416, MONDO:0007163, OMIM 108500.
Developmental and epileptic encephalopathy, 42 (DEE42A). Also called: Epileptic encephalopathy, early infantile, 42; DEVELOPMENTAL AND EPILEPTIC ENCEPHALOPATHY 42A; EPILEPTIC ENCEPHALOPATHY, EARLY INFANTILE, 42A. Identifiers: MedGen C4310716, MONDO:0014917, OMIM 617106.

Submission:

Labcorp Genetics (formerly Invitae), Labcorp
Classification: Uncertain significance for Developmental and epileptic encephalopathy, 42; Episodic ataxia type 2. Last evaluated: 2025-11-25. Review status: criteria provided, single submitter. Criteria: Invitae Variant Classification Sherloc (09022015). Collection method: clinical testing. Allele origin: germline.
Comment: This sequence change replaces leucine, which is neutral and non-polar, with valine, which is neutral and non-polar, at codon 78 of the CACNA1A protein (p.Leu78Val). This variant is not present in population databases (gnomAD no frequency). This variant has not been reported in the literature in individuals affected with CACNA1A-related conditions. Invitae Evidence Modeling of protein sequence and biophysical properties (such as structural, functional, and spatial information, amino acid conservation, physicochemical variation, residue mobility, and thermodynamic stability) has been performed for this missense variant. However, the output from this modeling did not meet the statistical confidence thresholds required to predict the impact of this variant on CACNA1A protein function. In summary, the available evidence is currently insufficient to determine the role of this variant in disease. Therefore, it has been classified as a Variant of Uncertain Significance.

NM_001127222.2(CACNA1A):c.232C>G (p.Leu78Val)

Gene: CACNA1A (calcium voltage-gated channel subunit alpha1 A; minus strand). Cytogenetic location: 19p13.13.
Variant type: single nucleotide variant.
Coding change: c.232C>G on transcript NM_001127222.2 (MANE Select); coding-DNA position 232, C replaced by G.
Protein change: p.Leu78Val; replaces leucine 78 with valine.
Molecular consequence: missense variant.
Genome position (GRCh38, 1-based): chr19:13,505,993, G>C on the plus strand (C>G on the coding strand, the complement: CACNA1A is on the minus strand). VCF-style: chr19-13505993-G-C. GRCh37 (hg19) VCF-style: chr19-13616807-G-C.
Other names: c.232C>G, p.Leu78Val (NM_000068.4, NM_001127221.2, NM_001174080.2 and 1 more transcripts); short protein forms L78V.
Identifiers: ClinVar variation 4789735 (VCV004789735.1).
Genomic context (GRCh38, chr19:13,505,993, plus strand): 5'-GCCATTCGGTGATCTTTTTGGCGTATTTTCTCACCACGTTGTCTTCGCTGAAGAGGAAGA[G>C]AGACCGGTTAACCGTGAGGCAGTTCTGTCGGACGGGGATGGGGTTGTAGAGTGCCATGGT-3'
Protein context (NP_001120694.1, residues 68-88): RQNCLTVNRS[Leu78Val]FLFSEDNVVR